The following is an entry in ClinVar:

ClinVar aggregate classification (germline): Uncertain significance. Review status: criteria provided, multiple submitters, no conflicts (2 of 4 stars). 4 submissions from 4 submitters: Uncertain significance (4). Last evaluated 2025-05-25.

Conditions:
Long QT syndrome (LQTS). Identifiers: MedGen C0023976, MeSH D008133, MONDO:0002442. Disease mechanism: loss of function. Inheritance: Various modes of inheritance.
Cardiovascular phenotype. Identifiers: MedGen CN230736.
Familial hyperaldosteronism type III. Also called: FH III; Familial hyperaldosteronism type 3. Identifiers: Orphanet 251274, MedGen C3838758, MONDO:0013359, OMIM 613677.
Long QT syndrome 13 (LQT13). Identifiers: Orphanet 101016, Orphanet 768, MedGen C3150733, MONDO:0013279, OMIM 613485.

Allele frequency attached by ClinVar (database versions not stated): gnomAD 0.00001; gnomAD exomes 0.00001; ExAC 0.00002; TOPMed 0.00002.

Submissions (4):

Ambry Genetics
Classification: Uncertain significance for Cardiovascular phenotype. Last evaluated: 2025-05-25. Review status: criteria provided, single submitter. Criteria: Ambry Variant Classification Scheme 2023. Collection method: clinical testing. Allele origin: germline.
Comment: The p.R225H variant (also known as c.674G>A), located in coding exon 1 of the KCNJ5 gene, results from a G to A substitution at nucleotide position 674. The arginine at codon 225 is replaced by histidine, an amino acid with highly similar properties. This amino acid position is highly conserved in available vertebrate species. In addition, this alteration is predicted to be deleterious by in silico analysis. Since supporting evidence is limited at this time, the clinical significance of this alteration remains unclear.

Labcorp Genetics (formerly Invitae), Labcorp
Classification: Uncertain significance for Long QT syndrome. Last evaluated: 2025-04-27. Review status: criteria provided, single submitter. Criteria: Invitae Variant Classification Sherloc (09022015). Collection method: clinical testing. Allele origin: germline.
Comment: This sequence change replaces arginine, which is basic and polar, with histidine, which is basic and polar, at codon 225 of the KCNJ5 protein (p.Arg225His). The frequency data for this variant in the population databases is considered unreliable, as metrics indicate poor data quality at this position in the gnomAD database. This variant has not been reported in the literature in individuals affected with KCNJ5-related conditions. ClinVar contains an entry for this variant (Variation ID: 651091). Invitae Evidence Modeling of protein sequence and biophysical properties (such as structural, functional, and spatial information, amino acid conservation, physicochemical variation, residue mobility, and thermodynamic stability) indicates that this missense variant is expected to disrupt KCNJ5 protein function with a positive predictive value of 80%. In summary, the available evidence is currently insufficient to determine the role of this variant in disease. Therefore, it has been classified as a Variant of Uncertain Significance.

Blueprint Genetics
Classification: Uncertain significance. Last evaluated: 2024-07-22. Review status: criteria provided, single submitter. Criteria: ACMG Guidelines, 2015. Collection method: clinical testing. Allele origin: germline.

Fulgent Genetics
Classification: Uncertain significance for Long QT syndrome 13; Familial hyperaldosteronism type III. Last evaluated: 2021-07-02. Review status: criteria provided, single submitter. Criteria: ACMG Guidelines, 2015. Collection method: clinical testing. Allele origin: unknown.

NM_000890.5(KCNJ5):c.674G>A (p.Arg225His)

Gene: KCNJ5 (potassium inwardly rectifying channel subfamily J member 5; plus strand). Cytogenetic location: 11q24.3.
Variant type: single nucleotide variant.
Coding change: c.674G>A on transcript NM_000890.5 (MANE Select); coding-DNA position 674, G replaced by A.
Protein change: p.Arg225His; replaces arginine 225 with histidine.
Molecular consequence: missense variant.
Genome position (GRCh38, 1-based): chr11:128,911,947, G>A. VCF-style: chr11-128911947-G-A. GRCh37 (hg19) VCF-style: chr11-128781842-G-A.
Other names: c.674G>A (LRG_333t1); c.674G>A, p.Arg225His (NM_001354169.2); short protein forms R225H.
Identifiers: ClinVar variation 651091 (VCV000651091.11), dbSNP rs772877248, ClinGen allele CA6357917.
Genomic context (GRCh38, chr11:128,911,947, plus strand): 5'-ACGCAGTCATCTCCATGCGGGACGAGAAGCTGTGCCTCATGTTCCGGGTGGGCGACCTCC[G>A]CAACTCCCACATCGTGGAGGCCTCCATCCGGGCCAAGCTCATCAAGTCCCGGCAGACCAA-3'
Protein context (NP_000881.3, residues 215-235): LCLMFRVGDL[Arg225His]NSHIVEASIR